The following is an entry in ClinVar:

NM_001291303.3(FAT4):c.10271A>G (p.His3424Arg)

Gene: FAT4 (FAT atypical cadherin 4; plus strand). Cytogenetic location: 4q28.1.
Variant type: single nucleotide variant.
Coding change: c.10271A>G on transcript NM_001291303.3 (MANE Select); coding-DNA position 10271, A replaced by G.
Protein change: p.His3424Arg; replaces histidine 3424 with arginine.
Molecular consequence: missense variant.
Genome position (GRCh38, 1-based): chr4:125,451,281, A>G. VCF-style: chr4-125451281-A-G. GRCh37 (hg19) VCF-style: chr4-126372436-A-G.
Other names: c.10271A>G, p.His3424Arg (NM_001291285.3); c.10265A>G, p.His3422Arg (NM_024582.6); short protein forms H3422R, H3424R.
Identifiers: ClinVar variation 1420348 (VCV001420348.6), dbSNP rs561616799, ClinGen allele CA3073663.

ClinVar aggregate classification (germline): Uncertain significance (1 of 4 stars; one submission).

Allele frequency attached by ClinVar (database versions not stated): gnomAD 0.00001; 1000 Genomes Project 30x 0.00016; 1000 Genomes Project 0.00020.
gnomAD v4.1: 5 of 1,614,130 alleles (0.00031%); highest among the groups gnomAD compares: South Asian, 0.0055%; no homozygotes.

Submission:

Labcorp Genetics (formerly Invitae), Labcorp
Classification: Uncertain significance. Last evaluated: 2021-10-12. Review status: criteria provided, single submitter. Criteria: Invitae Variant Classification Sherloc (09022015). Collection method: clinical testing. Allele origin: germline.
Comment: In summary, the available evidence is currently insufficient to determine the role of this variant in disease. Therefore, it has been classified as a Variant of Uncertain Significance. Advanced modeling of protein sequence and biophysical properties (such as structural, functional, and spatial information, amino acid conservation, physicochemical variation, residue mobility, and thermodynamic stability) performed at Invitae indicates that this missense variant is not expected to disrupt FAT4 protein function. This variant has not been reported in the literature in individuals affected with FAT4-related conditions. This variant is present in population databases (rs561616799, ExAC 0.02%). This sequence change replaces histidine with arginine at codon 3422 of the FAT4 protein (p.His3422Arg). The histidine residue is highly conserved and there is a small physicochemical difference between histidine and arginine.